The following is an entry in ClinVar:

NM_001310135.5(TTC6):c.4975-7_4988del

Gene: TTC6 (tetratricopeptide repeat domain 6; plus strand). Cytogenetic location: 14q21.1.
Variant type: Deletion.
Coding change: c.4975-7_4988del on transcript NM_001310135.5 (MANE Select); 7 bases into the intron before coding-DNA position 4975 through coding-DNA position 4988, 21 bases deleted (ATTTTAGGCCCAAGGAAAATT).
Molecular consequence: splice acceptor variant.
Genome position (GRCh38, 1-based): chr14:37,826,188-37,826,208, ATTTTAGGCCCAAGGAAAATT deleted; deleting any 21 consecutive bases within chr14:37,826,180-37,826,208 gives the same sequence; the c. name uses the placement nearest the transcript's 3' end. VCF-style (leftmost placement, unchanged base first): chr14-37826179-TGGAAAATTATTTTAGGCCCAA-T. GRCh37 (hg19) VCF-style: chr14-38295384-TGGAAAATTATTTTAGGCCCAA-T.
Other names: c.877-7_890del (NM_001368142.2).
Identifiers: ClinVar variation 2644187 (VCV002644187.24), dbSNP rs555569720, ClinGen allele CA7160848.

ClinVar aggregate classification (germline): Likely benign (1 of 4 stars; one submission).

Submission:

CeGaT Center for Human Genetics Tuebingen
Classification: Likely benign. Last evaluated: 2024-09-01. Review status: criteria provided, single submitter. Criteria: CeGaT Center For Human Genetics Tuebingen Variant Classification Criteria Version 2. Collection method: clinical testing. Allele origin: germline. Affected: yes. Observed: 2 variant alleles.
Comment: TTC6: BS2